The following is an entry in ClinVar:

ClinVar aggregate classification (germline): Uncertain significance (1 of 4 stars; one submission).

Submission:

Ambry Genetics
Classification: Uncertain significance. Last evaluated: 2026-03-19. Review status: criteria provided, single submitter. Criteria: Ambry Variant Classification Scheme 2023. Collection method: clinical testing. Allele origin: germline.
Comment: The p.H169D variant (also known as c.505C>G), located in coding exon 1 of the TET2 gene, results from a C to G substitution at nucleotide position 505. The histidine at codon 169 is replaced by aspartic acid, an amino acid with similar properties. This amino acid position is conserved. In addition, this alteration is predicted to be tolerated by in silico analysis. Based on the available evidence, the clinical significance of this variant remains unclear.

NM_001127208.3(TET2):c.505C>G (p.His169Asp)

Genes: TET2 (tet methylcytosine dioxygenase 2; plus strand), TET2-AS1 (TET2 antisense RNA 1; minus strand). Cytogenetic location: 4q24.
Variant type: single nucleotide variant.
Coding change: c.505C>G on transcript NM_001127208.3 (MANE Select); coding-DNA position 505, C replaced by G.
Protein change: p.His169Asp; replaces histidine 169 with aspartic acid.
Molecular consequence: missense variant.
Genome position (GRCh38, 1-based): chr4:105,234,447, C>G. VCF-style: chr4-105234447-C-G. GRCh37 (hg19) VCF-style: chr4-106155604-C-G.
Other names: c.505C>G, p.His169Asp (NM_017628.4); short protein forms H169D.
Identifiers: ClinVar variation 4865499 (VCV004865499.1).